The following is an entry in ClinVar:

NM_006245.4(PPP2R5D):c.470C>T (p.Thr157Ile)

Gene: PPP2R5D (protein phosphatase 2 regulatory subunit B'delta; plus strand). Cytogenetic location: 6p21.1.
Variant type: single nucleotide variant.
Coding change: c.470C>T on transcript NM_006245.4 (MANE Select); coding-DNA position 470, C replaced by T.
Protein change: p.Thr157Ile; replaces threonine 157 with isoleucine.
Molecular consequence: missense variant.
Genome position (GRCh38, 1-based): chr6:43,007,058, C>T. VCF-style: chr6-43007058-C-T. GRCh37 (hg19) VCF-style: chr6-42974796-C-T.
Other names: c.470C>T (NM_006245.3); c.17C>T, p.Thr6Ile (NM_001270476.2); c.374C>T, p.Thr125Ile (NM_180976.3); c.152C>T, p.Thr51Ile (NM_180977.3); short protein forms T6I, T157I, T125I, T51I.
Identifiers: ClinVar variation 1413025 (VCV001413025.9), dbSNP rs760788341, ClinGen allele CA138249562.

ClinVar aggregate classification (germline): Uncertain significance. Review status: criteria provided, multiple submitters, no conflicts (2 of 4 stars). 2 submissions from 2 submitters: Uncertain significance (2). Last evaluated 2025-01-08.

Allele frequency attached by ClinVar (database versions not stated): gnomAD exomes below 0.00001; gnomAD 0.00001; TOPMed 0.00001.
gnomAD v4.1: 2 of 1,613,996 alleles (0.00012%); highest among the groups gnomAD compares: Non-Finnish European, 0.00017%; no homozygotes.

Submissions (2):

GeneDx
Classification: Uncertain significance. Last evaluated: 2025-01-08. Review status: criteria provided, single submitter. Criteria: GeneDx Variant Classification Process June 2021. Collection method: clinical testing. Allele origin: germline. Affected: yes.
Comment: In silico analysis supports that this missense variant has a deleterious effect on protein structure/function; Has not been previously published as pathogenic or benign to our knowledge

Labcorp Genetics (formerly Invitae), Labcorp
Classification: Uncertain significance. Last evaluated: 2023-10-13. Review status: criteria provided, single submitter. Criteria: Invitae Variant Classification Sherloc (09022015). Collection method: clinical testing. Allele origin: germline.
Comment: This sequence change replaces threonine, which is neutral and polar, with isoleucine, which is neutral and non-polar, at codon 157 of the PPP2R5D protein (p.Thr157Ile). This variant is present in population databases (no rsID available, gnomAD 0.0009%). This variant has not been reported in the literature in individuals affected with PPP2R5D-related conditions. ClinVar contains an entry for this variant (Variation ID: 1413025). An algorithm developed to predict the effect of missense changes on protein structure and function (PolyPhen-2) suggests that this variant is likely to be disruptive. In summary, the available evidence is currently insufficient to determine the role of this variant in disease. Therefore, it has been classified as a Variant of Uncertain Significance.